The following is an entry in ClinVar:

NM_001378120.1(MBD5):c.557T>C (p.Leu186Pro)

Gene: MBD5 (methyl-CpG binding domain protein 5; plus strand). Cytogenetic location: 2q23.1.
Variant type: single nucleotide variant.
Coding change: c.557T>C on transcript NM_001378120.1 (MANE Select); coding-DNA position 557, T replaced by C.
Protein change: p.Leu186Pro; replaces leucine 186 with proline.
Molecular consequence: missense variant.
Genome position (GRCh38, 1-based): chr2:148,468,500, T>C. VCF-style: chr2-148468500-T-C. GRCh37 (hg19) VCF-style: chr2-149226069-T-C.
Other names: c.557T>C, p.Leu186Pro (NM_018328.5); short protein forms L186P.
Identifiers: ClinVar variation 589251 (VCV000589251.5), dbSNP rs1559085569, ClinGen allele CA348717058.

ClinVar aggregate classification (germline): Uncertain significance (1 of 4 stars; one submission).

Conditions:
Inborn genetic diseases. Identifiers: MedGen C0950123, MeSH D030342.

Submission:

Ambry Genetics
Classification: Uncertain significance for Inborn genetic diseases. Last evaluated: 2016-04-07. Review status: criteria provided, single submitter. Criteria: Ambry Variant Classification Scheme 2023. Collection method: clinical testing. Allele origin: germline.
Comment: The p.L186P variant (also known as c.557T>C), located in coding exon 4 of the MBD5 gene, results from a T to C substitution at nucleotide position 557. The leucine at codon 186 is replaced by proline, an amino acid with similar properties. This variant was not reported in population based cohorts in the following databases: Database of Single Nucleotide Polymorphisms (dbSNP), NHLBI Exome Sequencing Project (ESP), and 1000 Genomes Project. In the ESP, this variant was not observed in 6503 samples (13006 alleles) with coverage at this position. This amino acid position is not well conserved in available vertebrate species. In addition, this alteration is predicted to be tolerated by in silico analysis. Since supporting evidence is limited at this time, the clinical significance of this alteration remains unclear.